The following is an entry in ClinVar:

ClinVar aggregate classification (germline): Uncertain significance (1 of 4 stars; one submission).

gnomAD v4.1: 4 of 1,613,816 alleles (0.00025%); highest among the groups gnomAD compares: Admixed American, 0.0067%; no homozygotes.

Submission:

GeneDx
Classification: Uncertain significance. Last evaluated: 2024-12-25. Review status: criteria provided, single submitter. Criteria: GeneDx Variant Classification Process June 2021. Collection method: clinical testing. Allele origin: germline. Affected: yes.
Comment: Not observed at significant frequency in large population cohorts (gnomAD); In silico analysis indicates that this missense variant does not alter protein structure/function; Has not been previously published as pathogenic or benign to our knowledge; Located in one of the three hot-spot regions of the RYR2 gene, where the majority of pathogenic missense variants occur; This variant is associated with the following publications: (PMID: 19926015)

NM_001035.3(RYR2):c.12886C>T (p.His4296Tyr)

Genes: RYR2 (ryanodine receptor 2; plus strand), LOC126806068 (BRD4-independent group 4 enhancer GRCh37_chr1:237947411-237948610; plus strand). Cytogenetic location: 1q43.
Variant type: single nucleotide variant.
Coding change: c.12886C>T on transcript NM_001035.3 (MANE Select); coding-DNA position 12886, C replaced by T.
Protein change: p.His4296Tyr; replaces histidine 4296 with tyrosine.
Molecular consequence: missense variant.
Genome position (GRCh38, 1-based): chr1:237,784,598, C>T. VCF-style: chr1-237784598-C-T. GRCh37 (hg19) VCF-style: chr1-237947898-C-T.
Other names: short protein forms H4296Y.
Identifiers: ClinVar variation 3908030 (VCV003908030.1).